The following is an entry in ClinVar:

ClinVar aggregate classification (germline): Uncertain significance. Review status: criteria provided, multiple submitters, no conflicts (2 of 4 stars). 3 submissions from 3 submitters: Uncertain significance (3). Last evaluated 2025-10-21.

Conditions:
Familial thoracic aortic aneurysm and aortic dissection (TAAD). Also called: Thoracic aortic aneurysms and dissections. Identifiers: Orphanet 91387, MedGen C4707243, MONDO:0019625.
Aortic aneurysm, familial thoracic 8 (AAT8). Identifiers: MedGen C3809513, MONDO:0014187, OMIM 615436.

Allele frequency attached by ClinVar (database versions not stated): gnomAD exomes 0.00001; ExAC 0.00002; TOPMed 0.00002; gnomAD 0.00003.
gnomAD v4.1: 11 of 1,612,948 alleles (0.00068%); highest among the groups gnomAD compares: African/African-American, 0.0027%; no homozygotes.

Submissions (3):

Labcorp Genetics (formerly Invitae), Labcorp
Classification: Uncertain significance for Aortic aneurysm, familial thoracic 8. Last evaluated: 2025-10-21. Review status: criteria provided, single submitter. Criteria: Invitae Variant Classification Sherloc (09022015). Collection method: clinical testing. Allele origin: germline.
Comment: This sequence change replaces arginine, which is basic and polar, with glutamine, which is neutral and polar, at codon 510 of the PRKG1 protein (p.Arg510Gln). This variant is present in population databases (rs749187374, gnomAD 0.008%). This variant has not been reported in the literature in individuals affected with PRKG1-related conditions. ClinVar contains an entry for this variant (Variation ID: 2198833). An algorithm developed to predict the effect of missense changes on protein structure and function (PolyPhen-2) suggests that this variant is likely to be tolerated. In summary, the available evidence is currently insufficient to determine the role of this variant in disease. Therefore, it has been classified as a Variant of Uncertain Significance.

KardioGenetik, Herz- und Diabeteszentrum NRW
Classification: Uncertain significance for Aortic aneurysm, familial thoracic 8. Last evaluated: 2023-10-31. Review status: criteria provided, single submitter. Criteria: ACMG Guidelines, 2015. Collection method: clinical testing. Allele origin: unknown. Affected: yes. Observed: 1 variant allele.

Ambry Genetics
Classification: Uncertain significance for Familial thoracic aortic aneurysm and aortic dissection. Last evaluated: 2023-09-06. Review status: criteria provided, single submitter. Criteria: Ambry Variant Classification Scheme 2023. Collection method: clinical testing. Allele origin: germline.
Comment: The p.R510Q variant (also known as c.1529G>A), located in coding exon 13 of the PRKG1 gene, results from a G to A substitution at nucleotide position 1529. The arginine at codon 510 is replaced by glutamine, an amino acid with highly similar properties. This amino acid position is conserved. In addition, this alteration is predicted to be tolerated by in silico analysis. Since supporting evidence is limited at this time, the clinical significance of this alteration remains unclear.

NM_006258.4(PRKG1):c.1529G>A (p.Arg510Gln)

Gene: PRKG1 (protein kinase cGMP-dependent 1; plus strand). Cytogenetic location: 10q21.1.
Variant type: single nucleotide variant.
Coding change: c.1529G>A on transcript NM_006258.4 (MANE Select); coding-DNA position 1529, G replaced by A.
Protein change: p.Arg510Gln; replaces arginine 510 with glutamine.
Molecular consequence: missense variant.
Genome position (GRCh38, 1-based): chr10:52,280,914, G>A. VCF-style: chr10-52280914-G-A. GRCh37 (hg19) VCF-style: chr10-54040674-G-A.
Other names: c.1484G>A, p.Arg495Gln (NM_001098512.3); c.320G>A, p.Arg107Gln (NM_001374781.1); c.1529G>A (NM_006258.3); short protein forms R107Q, R495Q, R510Q.
Identifiers: ClinVar variation 2198833 (VCV002198833.7), dbSNP rs749187374, ClinGen allele CA5503873.
Genomic context (GRCh38, chr10:52,280,914, plus strand): 5'-TGCATTCCAAAGGAATCATTTACAGGGACCTCAAGCCAGAAAATCTCATCCTAGATCACC[G>A]AGGTTATGCCAAACTGGTCAGTGCATTTCATACGTGCTTTCTGCCCTGCAGATTAAAAAT-3'
Protein context (NP_006249.1, residues 500-520): LKPENLILDH[Arg510Gln]GYAKLVDFGF